The following is an entry in ClinVar:

NM_207122.2(EXT2):c.129_130delinsGT (p.Phe43_Gln44delinsLeuTer)

Gene: EXT2 (exostosin glycosyltransferase 2; plus strand). Cytogenetic location: 11p11.2.
Variant type: Indel.
Coding change: c.129_130delinsGT on transcript NM_207122.2 (MANE Select); coding-DNA positions 129 to 130, TC replaced by GT.
Protein change: p.Phe43_Gln44delinsLeuTer.
Molecular consequence: nonsense.
Genome position (GRCh38, 1-based): chr11:44,107,841-44,107,842, TC replaced by GT. VCF-style: chr11-44107841-TC-GT. GRCh37 (hg19) VCF-style: chr11-44129391-TC-GT.
Other names: c.228_229delinsGT, p.Phe76_Gln77delinsLeuTer (NM_000401.3); c.129_130delinsGT, p.Phe43_Gln44delinsLeuTer (NM_001178083.3, NM_001389628.1, NM_001389630.1).
Identifiers: ClinVar variation 944624 (VCV000944624.8), dbSNP rs1954079044, ClinGen allele CA1139661913.
Genomic context (GRCh38, chr11:44,107,841, plus strand): 5'-AATCTACTATATCACCCTCTTCTCCATTGTCCTCCTGGGCCTCATTGCCACTGGCATGTT[TC>GT]AGTTTTGGCCCCATTCTATCGAGTCCTCAAATGACTGGAATGTAGAGAAGCGCAGCATCC-3'

ClinVar aggregate classification (germline): Pathogenic (1 of 4 stars; one submission).

Conditions:
Exostoses, multiple, type 2 (EXT2). Also called: Hereditary Multiple Osteochondromatosis, Type II; EXOSTOSES, MULTIPLE, TYPE II. Identifiers: Orphanet 321, MedGen C1851413, MONDO:0007586, OMIM 133701.

Submission:

Labcorp Genetics (formerly Invitae), Labcorp
Classification: Pathogenic for Exostoses, multiple, type 2. Last evaluated: 2019-04-01. Review status: criteria provided, single submitter. Criteria: Invitae Variant Classification Sherloc (09022015). Collection method: clinical testing. Allele origin: germline.
Comment: Loss-of-function variants in EXT2 are known to be pathogenic (PMID: 10679937, 19810120). For these reasons, this variant has been classified as Pathogenic. This variant has not been reported in the literature in individuals with EXT2-related conditions. This variant is not present in population databases (ExAC no frequency). This sequence change creates a premature translational stop signal (p.Phe43_Gln44delinsLeu*) in the EXT2 gene. It is expected to result in an absent or disrupted protein product.

Literature cited by the submitters: PubMed 10679937; PubMed 19810120.